The following is an entry in ClinVar:

ClinVar aggregate classification (germline): Pathogenic (1 of 4 stars; one submission).

Conditions:
Jeune thoracic dystrophy. Also called: Jeune syndrome; Infantile thoracic dystrophy; Thoracic pelvic phalangeal dystrophy; Jeune's syndrome; Chondroectodermal dysplasia-like syndrome; Short-rib thoracic dysplasia. Identifiers: Orphanet 474, MedGen C0265275, MONDO:0018770.

Submission:

Labcorp Genetics (formerly Invitae), Labcorp
Classification: Pathogenic for Jeune thoracic dystrophy. Last evaluated: 2022-06-13. Review status: criteria provided, single submitter. Criteria: Invitae Variant Classification Sherloc (09022015). Collection method: clinical testing. Allele origin: germline.
Comment: This sequence change creates a premature translational stop signal (p.Met318Cysfs*25) in the IFT80 gene. It is expected to result in an absent or disrupted protein product. Loss-of-function variants in IFT80 are known to be pathogenic (PMID: 21227999, 23339108, 29068549). This variant is not present in population databases (gnomAD no frequency). This variant has not been reported in the literature in individuals affected with IFT80-related conditions. For these reasons, this variant has been classified as Pathogenic.

Literature cited by the submitters: PubMed 21227999; PubMed 23339108; PubMed 29068549.

NM_020800.3(IFT80):c.951del (p.Met318fs)

Genes: IFT80 (intraflagellar transport 80; minus strand), TRIM59-IFT80 (TRIM59-IFT80 readthrough (NMD candidate); minus strand). Cytogenetic location: 3q25.33.
Variant type: Deletion.
Coding change: c.951del on transcript NM_020800.3 (MANE Select); coding-DNA position 951, one base deleted (C; older notation c.951delC).
Protein change: p.Met318fs; shifts the reading frame from methionine 318.
Molecular consequence: frameshift variant. On other transcripts: non-coding transcript variant (3).
Genome position (GRCh38, 1-based): chr3:160,319,766, G deleted on the plus strand (C on the coding strand, the reverse complement: IFT80 is on the minus strand); the first of 2 consecutive G bases (chr3:160,319,766-160,319,767); deleting either gives the same sequence. VCF-style (leftmost placement, unchanged base first): chr3-160319765-TG-T. GRCh37 (hg19) VCF-style: chr3-160037553-TG-T.
Other names: c.540del, p.Met181fs (NM_001190241.2, NM_001190242.2); short protein forms M318fs, M181fs.
Identifiers: ClinVar variation 1942597 (VCV001942597.5), dbSNP rs2473265518, ClinGen allele CA2580069002.